The following is an entry in ClinVar:

NM_005529.7(HSPG2):c.3268C>T (p.Arg1090Ter)

Gene: HSPG2 (heparan sulfate proteoglycan 2; minus strand). Cytogenetic location: 1p36.12.
Variant type: single nucleotide variant.
Coding change: c.3268C>T on transcript NM_005529.7 (MANE Select); coding-DNA position 3268, C replaced by T.
Protein change: p.Arg1090Ter; replaces arginine 1090 with a stop codon.
Molecular consequence: nonsense.
Genome position (GRCh38, 1-based): chr1:21,875,663, G>A on the plus strand (C>T on the coding strand, the complement: HSPG2 is on the minus strand). VCF-style: chr1-21875663-G-A. GRCh37 (hg19) VCF-style: chr1-22202156-G-A.
Other names: c.3271C>T, p.Arg1091Ter (NM_001291860.2); short protein forms R1090*, R1091*.
Identifiers: ClinVar variation 4819065 (VCV004819065.1).

ClinVar aggregate classification (germline): Pathogenic (1 of 4 stars; one submission).

Conditions:
Lethal Kniest-like syndrome (DDSH). Also called: Dyssegmental Dysplasia. Identifiers: Orphanet 1865, MedGen C1857100, MONDO:0009140, OMIM 224410.

gnomAD v4.1: 14 of 1,603,074 alleles (0.00087%); highest among the groups gnomAD compares: South Asian, 0.0022%; no homozygotes.

Submission:

Victorian Clinical Genetics Services, Murdoch Childrens Research Institute
Classification: Pathogenic for Lethal Kniest-like syndrome. Last evaluated: 2026-01-22. Review status: criteria provided, single submitter. Criteria: ACMG Guidelines, 2015. Collection method: clinical testing. Allele origin: germline.
Comment: This variant is classified as Pathogenic. Evidence in support of pathogenic classification: Variant is predicted to cause nonsense-mediated decay (NMD) and loss of protein (premature termination codon is located at least 54 nucleotides upstream of the final exon-exon junction); Variant is present in gnomAD <0.01 for a recessive condition (v4: 14 heterozygote(s), 0 homozygote(s)); Other NMD-predicted variants comparable to the one identified in this case have very strong previous evidence for pathogenicity (DECIPHER). Additional information: This variant is heterozygous; This gene is associated with autosomal recessive disease; This variant has no previous evidence of pathogenicity; No published evidence of segregation with disease has been identified for this variant; No published functional evidence has been identified for this variant; Loss of function is a known mechanism of disease in this gene and is associated with Silverman-Handmaker type dyssegmental dysplasia (MIM#224410) and Schwartz-Jampel syndrome, type 1 (MIM#255800); Inheritance information for this variant is not currently available in this individual.